The following is an entry in ClinVar:

ClinVar aggregate classification (germline): Uncertain significance (1 of 4 stars; one submission).

Conditions:
Werner syndrome (WRN). Identifiers: Orphanet 902, MedGen C0043119, MONDO:0010196, OMIM 277700.

Allele frequency attached by ClinVar (database versions not stated): gnomAD 0.00001.
gnomAD v4.1: 1 of 1,613,580 alleles (0.000062%); highest among the groups gnomAD compares: Non-Finnish European, 0.000085%; no homozygotes.

Submission:

Labcorp Genetics (formerly Invitae), Labcorp
Classification: Uncertain significance for Werner syndrome. Last evaluated: 2023-05-05. Review status: criteria provided, single submitter. Criteria: Invitae Variant Classification Sherloc (09022015). Collection method: clinical testing. Allele origin: germline.
Comment: In summary, the available evidence is currently insufficient to determine the role of this variant in disease. Therefore, it has been classified as a Variant of Uncertain Significance. Algorithms developed to predict the effect of missense changes on protein structure and function output the following: SIFT: "Not Available"; PolyPhen-2: "Benign"; Align-GVGD: "Not Available". The alanine amino acid residue is found in multiple mammalian species, which suggests that this missense change does not adversely affect protein function. ClinVar contains an entry for this variant (Variation ID: 839239). This variant has not been reported in the literature in individuals affected with WRN-related conditions. This variant is present in population databases (no rsID available, gnomAD 0.007%). This sequence change replaces threonine, which is neutral and polar, with alanine, which is neutral and non-polar, at codon 486 of the WRN protein (p.Thr486Ala).

NM_000553.6(WRN):c.1456A>G (p.Thr486Ala)

Gene: WRN (WRN RecQ like helicase; plus strand). Cytogenetic location: 8p12.
Variant type: single nucleotide variant.
Coding change: c.1456A>G on transcript NM_000553.6 (MANE Select); coding-DNA position 1456, A replaced by G.
Protein change: p.Thr486Ala; replaces threonine 486 with alanine.
Molecular consequence: missense variant.
Genome position (GRCh38, 1-based): chr8:31,087,800, A>G. VCF-style: chr8-31087800-A-G. GRCh37 (hg19) VCF-style: chr8-30945316-A-G.
Other names: short protein forms T486A.
Identifiers: ClinVar variation 839239 (VCV000839239.6), dbSNP rs1277450263, ClinGen allele CA370924290.